The following is an entry in ClinVar:

NM_015001.3(SPEN):c.9074CTC[1] (p.Pro3026del)

Gene: SPEN (spen family transcriptional repressor; plus strand). Cytogenetic location: 1p36.13.
Variant type: Microsatellite.
Coding change: c.9074CTC[1] on transcript NM_015001.3 (MANE Select); one copy of the 3-base unit CTC starting at c.9074; the reference has two copies in a row; one copy, 3 bases deleted; also written c.9077_9079del.
Protein change: p.Pro3026del; deletes proline 3026.
Genome position (GRCh38, 1-based): chr1:15,935,317-15,935,319, CTC deleted; deleting any 3 consecutive bases within chr1:15,935,314-15,935,319 gives the same sequence; the position shown is the placement nearest the transcript's 3' end. VCF-style (leftmost placement, unchanged base first): chr1-15935313-TCTC-T. GRCh37 (hg19) VCF-style: chr1-16261808-TCTC-T.
Other names: c.9077_9079del (NM_015001.3); short protein forms P3026del.
Identifiers: ClinVar variation 3393456 (VCV003393456.4).

ClinVar aggregate classification (germline): Uncertain significance. Review status: criteria provided, multiple submitters, no conflicts (2 of 4 stars). 2 submissions from 2 submitters: Uncertain significance (2). Last evaluated 2026-01-02.

Conditions:
Radio-Tartaglia syndrome. Identifiers: Orphanet 662234, MedGen C5543339, MONDO:0859143, OMIM 619312.

Submissions (2):

Dasa
Classification: Uncertain significance. Last evaluated: 2026-01-02. Review status: criteria provided, single submitter. Criteria: DASA Assertion Criteria. Collection method: clinical testing. Allele origin: germline.
Comment: NM_015001.3(SPEN):c.9077_9079del (p.Pro3026del) is an in-frame deletion predicted to remove proline at protein position 3026 without shifting the reading frame. This variant is rare in population databases. The currently available literature and clinical evidence are not sufficient to establish a definitive association between this variant and the reported condition. Therefore, this variant is classified as a variant of uncertain significance.

Servicio Canario de Salud, Hospital Universitario Nuestra Sra. de Candelaria
Classification: Uncertain significance for Radio-Tartaglia syndrome. Last evaluated: 2024-12-25. Review status: criteria provided, single submitter. Criteria: ACMG Guidelines, 2015. Collection method: clinical testing. Allele origin: germline. Inheritance: Autosomal dominant inheritance. Affected: yes. Observed: 1 heterozygote.
Comment: This variant is not present in population databases (gnomAD no frequency). In summary, c.9077_9079delCTC, p.(Pro3026del) SPEN variant meets classification criteria as a variant of uncertain significance.